The following is an entry in ClinVar:

ClinVar aggregate classification (germline): Pathogenic/Likely pathogenic. Review status: criteria provided, multiple submitters, no conflicts (2 of 4 stars). 5 submissions from 5 submitters: Pathogenic (4); Likely pathogenic (1). Last evaluated 2024-05-14.

Conditions:
Inborn genetic diseases. Identifiers: MedGen C0950123, MeSH D030342.
Leukodystrophy, hypomyelinating, 9. Identifiers: Orphanet 438114, MedGen C4015323, MONDO:0014506, OMIM 616140.

Submissions (5):

Ambry Genetics
Classification: Pathogenic for Inborn genetic diseases. Last evaluated: 2024-05-14. Review status: criteria provided, single submitter. Criteria: Ambry Variant Classification Scheme 2023. Collection method: clinical testing. Allele origin: germline.
Comment: The c.2T>C (p.M1?) alteration is located in coding exon 1 of the RARS1 gene and consists of a T to C substitution at nucleotide position 2. This alters the methionine residue at the initiation codon (ATG). Sequence variations that modify the initiation codon are expected to result in either loss of translation initiation, N-terminal truncation, or cause a shift in the mRNA reading frame. This variant was not reported in population-based cohorts in the Genome Aggregation Database (gnomAD). This variant has been identified in the homozygous state and/or in conjunction with other RARS1 variant(s) in individual(s) with features consistent with RARS1-related hypomyelinating leukodystrophy; however, clinical details were limited for one case (Liu, 2019; Rezaei, 2019). Based on the available evidence, this alteration is classified as pathogenic.

Fulgent Genetics
Classification: Likely pathogenic for Leukodystrophy, hypomyelinating, 9. Last evaluated: 2022-02-09. Review status: criteria provided, single submitter. Criteria: ACMG Guidelines, 2015. Collection method: clinical testing. Allele origin: unknown.

Genomic Research Center, Shahid Beheshti University of Medical Sciences
Classification: Pathogenic for Leukodystrophy, hypomyelinating, 9. Last evaluated: 2019-01-01. Review status: criteria provided, single submitter. Criteria: ACMG Guidelines, 2015. Collection method: clinical testing. Allele origin: unknown. Affected: yes. Observed: 1 variant allele.

Baylor Genetics
Classification: Pathogenic for Leukodystrophy, hypomyelinating, 9. Last evaluated: 2017-12-31. Review status: criteria provided, single submitter. Criteria: ACMG Guidelines, 2015. Collection method: clinical testing. Allele origin: germline. Affected: yes.

GeneDx
Classification: Pathogenic. Last evaluated: 2016-12-15. Review status: criteria provided, single submitter. Criteria: GeneDx Variant Classification (06012015). Collection method: clinical testing. Allele origin: germline. Affected: yes.
Comment: The c.2 T>C pathogenic variant in the RARS gene alters the initiator Methionine codon, and the resultant protein would be described as p.Met1? using a question mark to signify that it is not known if the loss of Met1 means that all protein translation is completely prevented or if an abnormal protein is produced using an alternate Met. Additionally, another nucleotide substitution, c.1 A>G, that also affects the initiator Methionine codon has previously been reported in association with hypomyelinating leukodystrophy in an individual who was compound heterozygous for another variant in RARS (Wolf et al., 2014). Therefore we interpret c.2 T>C to be a pathogenic variant."

Literature cited by the submitters: PubMed 30791064 (cited by Ambry Genetics); PubMed 31216405 (cited by Ambry Genetics).

NM_002887.4(RARS1):c.2T>C (p.Met1Thr)

Gene: RARS1 (arginyl-tRNA synthetase 1; plus strand). Cytogenetic location: 5q34.
Variant type: single nucleotide variant.
Coding change: c.2T>C on transcript NM_002887.4 (MANE Select); coding-DNA position 2, T replaced by C.
Protein change: p.Met1Thr; changes the start codon (methionine 1).
Molecular consequence: missense variant, initiator codon variant.
Genome position (GRCh38, 1-based): chr5:168,486,500, T>C. VCF-style: chr5-168486500-T-C. GRCh37 (hg19) VCF-style: chr5-167913505-T-C.
Other names: short protein forms M1T.
Identifiers: ClinVar variation 391980 (VCV000391980.10), dbSNP rs769713780, ClinGen allele CA16604750.